The following is an entry in ClinVar:

NM_001127671.2(LIFR):c.346C>T (p.His116Tyr)

Gene: LIFR (LIF receptor subunit alpha; minus strand). Cytogenetic location: 5p13.1.
Variant type: single nucleotide variant.
Coding change: c.346C>T on transcript NM_001127671.2 (MANE Select); coding-DNA position 346, C replaced by T.
Protein change: p.His116Tyr; replaces histidine 116 with tyrosine.
Molecular consequence: missense variant.
Genome position (GRCh38, 1-based): chr5:38,527,206, G>A on the plus strand (C>T on the coding strand, the complement: LIFR is on the minus strand). VCF-style: chr5-38527206-G-A. GRCh37 (hg19) VCF-style: chr5-38527308-G-A.
Other names: c.346C>T, p.His116Tyr (NM_001364297.2, NM_001364298.2, NM_002310.6); short protein forms H116Y.
Identifiers: ClinVar variation 353631 (VCV000353631.26), dbSNP rs3729734, ClinGen allele CA3243253.

ClinVar aggregate classification (germline): Benign. Review status: criteria provided, multiple submitters, no conflicts (2 of 4 stars). 7 submissions from 7 submitters: Benign (6). 1 of the submissions does not count toward it. Last evaluated 2026-02-02.

Conditions:
Connective tissue disorder. Also called: Connective tissue disease. Identifiers: MedGen C0009782, MONDO:0003900.
Stuve-Wiedemann syndrome (STWS). Also called: Stüve-Wiedemann syndrome. Identifiers: Orphanet 3206, MedGen C0796176, MONDO:0031280.

Allele frequency attached by ClinVar (database versions not stated): 1000 Genomes Project 30x 0.02092; 1000 Genomes Project 0.02296; TOPMed 0.03226; ESP Exome Variant Server 0.03595; gnomAD 0.03865 and 0.03927; gnomAD exomes 0.04028; ExAC 0.04251.
gnomAD v4.1: 69,875 of 1,586,294 alleles (4.4%); highest among the groups gnomAD compares: Middle Eastern, 7.9%; 1,789 homozygotes.

Submissions (7):

Labcorp Genetics (formerly Invitae), Labcorp
Classification: Benign. Last evaluated: 2026-02-02. Review status: criteria provided, single submitter. Criteria: Invitae Variant Classification Sherloc (09022015). Collection method: clinical testing. Allele origin: germline.

Genome Diagnostics Laboratory, The Hospital for Sick Children
Classification: Benign for Connective tissue disorder. Last evaluated: 2022-04-14. Review status: criteria provided, single submitter. Criteria: ACMG Guidelines, 2015. Collection method: clinical testing. Allele origin: germline.

Genome-Nilou Lab
Classification: Benign for Stüve-Wiedemann syndrome 1. Last evaluated: 2021-07-10. Review status: criteria provided, single submitter. Criteria: ACMG Guidelines, 2015. Collection method: clinical testing. Allele origin: germline. Affected: no.

GeneDx
Classification: Benign. Last evaluated: 2018-08-20. Review status: criteria provided, single submitter. Criteria: GeneDx Variant Classification Process June 2021. Collection method: clinical testing. Allele origin: germline. Affected: yes.

Illumina Laboratory Services, Illumina
Classification: Benign for Stüve-Wiedemann syndrome 1. Last evaluated: 2018-01-13. Review status: criteria provided, single submitter. Criteria: ICSL Variant Classification Criteria 13 December 2019. Collection method: clinical testing. Allele origin: germline.
Comment: This variant was observed in the ICSL laboratory as part of a predisposition screen in an ostensibly healthy population. It had not been previously curated by ICSL or reported in the Human Gene Mutation Database (HGMD: prior to June 1st, 2018), and was therefore a candidate for classification through an automated scoring system. Utilizing variant allele frequency, disease prevalence and penetrance estimates, and inheritance mode, an automated score was calculated to assess if this variant is too frequent to cause the disease. Based on the score and internal cut-off values, a variant classified as benign is not then subjected to further curation. The score for this variant resulted in a classification of benign for this disease.

Breakthrough Genomics
Classification: Benign. Review status: criteria provided, single submitter. Criteria: ACMG Guidelines, 2015. Collection method: not provided. Allele origin: germline. Inheritance: Autosomal recessive inheritance. Affected: yes.

Natera, Inc.
Classification: Benign for Stuve-Wiedemann syndrome. Last evaluated: 2019-11-25. Review status: no assertion criteria provided. Collection method: clinical testing. Allele origin: germline. Not counted in ClinVar's aggregate classification.